The following is an entry in ClinVar:

ClinVar aggregate classification (germline): Pathogenic. Review status: criteria provided, multiple submitters, no conflicts (2 of 4 stars). 9 submissions from 9 submitters: Pathogenic (5). 4 of the submissions do not count toward it. Last evaluated 2025-12-01.

Conditions:
RDH12-related disorder. Also called: RDH12-related disorders; RDH12-related condition.
Retinal dystrophy. Also called: Inherited retinal dystrophy. Identifiers: Orphanet 71862, MedGen C0854723, MeSH D058499, MONDO:0019118, HP:0000556.
Retinitis pigmentosa (RP). Identifiers: Orphanet 791, MedGen C0035334, MeSH D012174, MONDO:0019200, OMIM 268000. Inheritance: Autosomal dominant, autosomal recessive and X linked inheritance.
Leber congenital amaurosis (LCA). Also called: Leber's amaurosis. Identifiers: Orphanet 65, MedGen C0339527, MeSH D057130, MONDO:0018998.
Leber congenital amaurosis 13 (LCA13). Identifiers: MedGen C2675186, MONDO:0012990, OMIM 612712.

Submissions (9):

CeGaT Center for Human Genetics Tuebingen
Classification: Pathogenic. Last evaluated: 2025-12-01. Review status: criteria provided, single submitter. Criteria: CeGaT Center For Human Genetics Tuebingen Variant Classification Criteria Version 2. Collection method: clinical testing. Allele origin: germline. Affected: yes. Observed: 7 variant alleles.
Comment: RDH12: PVS1, PM3:Strong, PM2

Natera, Inc.
Classification: Pathogenic for Leber congenital amaurosis. Last evaluated: 2025-07-12. Review status: criteria provided, single submitter. Criteria: Natera Variant Classification Schema (03/2026). Collection method: clinical testing. Allele origin: germline.
Comment: The c.379G>T variant in RDH12 is a nonsense variant predicted to introduce a stop codon at amino acid 127. This variant is expected to result in nonsense mediated decay, truncation, or a dysfunctional protein product. This variant is rare in the general population with a frequency below the threshold expected for the associated phenotype(s). This variant has been observed in one or more individuals affected with the associated recessive disease, as either homozygous or compound heterozygous with a second variant (PMID: 15322982). Additionally, this variant has been observed to segregate in affected family members (PMID: 15322982). Given the available evidence, this variant is classified as Pathogenic.

Institute of Human Genetics, Univ. Regensburg, Univ. Regensburg
Classification: Pathogenic for Retinal dystrophy. Last evaluated: 2023-01-01. Review status: criteria provided, single submitter. Criteria: ACMG Guidelines, 2015. Collection method: clinical testing. Allele origin: germline. Affected: yes.

Blueprint Genetics
Classification: Pathogenic for RDH12-related disorders. Last evaluated: 2020-07-06. Review status: criteria provided, single submitter. Criteria: ACMG Guidelines, 2015. Collection method: clinical testing. Allele origin: germline. Affected: yes. Observed: 2 variant alleles.

Labcorp Genetics (formerly Invitae), Labcorp
Classification: Pathogenic for Leber congenital amaurosis 13. Last evaluated: 2019-03-05. Review status: criteria provided, single submitter. Criteria: Invitae Variant Classification Sherloc (09022015). Collection method: clinical testing. Allele origin: germline.
Comment: For these reasons, this variant has been classified as Pathogenic. Loss-of-function variants in RDH12 are known to be pathogenic (PMID: 17964524, 22065924). Algorithms developed to predict the effect of sequence changes on RNA splicing suggest that this variant may create or strengthen a splice site, but this prediction has not been confirmed by published transcriptional studies. This variant has been observed in individuals affected with retinal dystrophies (PMID: 15322982, 17389517, 26355662). ClinVar contains an entry for this variant (Variation ID: 2051). This variant is not present in population databases (ExAC no frequency). This sequence change creates a premature translational stop signal (p.Gly127*) in the RDH12 gene. It is expected to result in an absent or disrupted protein product.

Payam Genetics Center, General Welfare Department of North Khorasan Province
Classification: Pathogenic for Leber congenital amaurosis 13. Last evaluated: 2023-03-01. Review status: no assertion criteria provided. Collection method: clinical testing. Allele origin: germline. Affected: yes. Observed: 1 variant allele. Not counted in ClinVar's aggregate classification.
Comment: This variant has not been reported in the literature in individuals affected with RDH12-related conditions and Iranom. Therefore, it has been classified as a Variant of Pathogenic.

Department of Clinical Genetics, Copenhagen University Hospital, Rigshospitalet
Classification: Likely pathogenic for Retinitis pigmentosa. Last evaluated: 2018-04-01. Review status: no assertion criteria provided. Collection method: research. Allele origin: unknown. Affected: yes. Study: VeluxRD. Not counted in ClinVar's aggregate classification.

OMIM
Classification: Pathogenic for LEBER CONGENITAL AMAUROSIS 13. Last evaluated: 2004-10-01. Review status: no assertion criteria provided. Collection method: literature only. Allele origin: germline. Not counted in ClinVar's aggregate classification.

Laboratory of Genetics in Ophthalmology, Institut Imagine
Classification: Pathogenic for Leber congenital amaurosis 13. Review status: no assertion criteria provided. Collection method: research. Allele origin: inherited. Affected: yes. Observed: 3 variant alleles. Not counted in ClinVar's aggregate classification.

Literature cited by the submitters: PubMed 15322982 (cited by 5 submitters); PubMed 25525159 (cited by Institute of Human Genetics, Univ. Regensburg, Univ. Regensburg); PubMed 26355662 (cited by Institute of Human Genetics, Univ. Regensburg, Univ. Regensburg and Labcorp Genetics (formerly Invitae), Labcorp); PubMed 32531858 (cited by Institute of Human Genetics, Univ. Regensburg, Univ. Regensburg); PubMed 33921607 (cited by Institute of Human Genetics, Univ. Regensburg, Univ. Regensburg); PubMed 34426522 (cited by Institute of Human Genetics, Univ. Regensburg, Univ. Regensburg); PubMed 17964524 (cited by Labcorp Genetics (formerly Invitae), Labcorp); PubMed 22065924 (cited by Labcorp Genetics (formerly Invitae), Labcorp); PubMed 17389517 (cited by Labcorp Genetics (formerly Invitae), Labcorp); PubMed 30718709 (cited by Department of Clinical Genetics, Copenhagen University Hospital, Rigshospitalet).

NM_152443.3(RDH12):c.379G>T (p.Gly127Ter)

Genes: GPHN (gephyrin; plus strand), RDH12 (retinol dehydrogenase 12; plus strand). Cytogenetic location: 14q24.1.
Variant type: single nucleotide variant.
Coding change: c.379G>T on transcript NM_152443.3 (MANE Select); coding-DNA position 379, G replaced by T.
Protein change: p.Gly127Ter; replaces glycine 127 with a stop codon.
Molecular consequence: nonsense.
Genome position (GRCh38, 1-based): chr14:67,726,086, G>T. VCF-style: chr14-67726086-G-T. GRCh37 (hg19) VCF-style: chr14-68192803-G-T.
Other names: short protein forms G127*.
Identifiers: ClinVar variation 2051 (VCV000002051.57), dbSNP rs104894474, ClinGen allele CA252083.